The following is an entry in ClinVar:

NM_001369.3(DNAH5):c.7475dup (p.Ala2494fs)

Gene: DNAH5 (dynein axonemal heavy chain 5; minus strand). Cytogenetic location: 5p15.2.
Variant type: Duplication.
Coding change: c.7475dup on transcript NM_001369.3 (MANE Select); coding-DNA position 7475, one base duplicated (C; older notation c.7475dupC).
Protein change: p.Ala2494fs; shifts the reading frame from alanine 2494.
Molecular consequence: frameshift variant.
Genome position (GRCh38, 1-based): chr5:13,810,193, G duplicated on the plus strand (C on the coding strand, the reverse complement: DNAH5 is on the minus strand). VCF-style (leftmost placement, unchanged base first): chr5-13810192-C-CG. GRCh37 (hg19) VCF-style: chr5-13810301-C-CG.
Other names: short protein forms A2494fs.
Identifiers: ClinVar variation 2856536 (VCV002856536.3), dbSNP rs2546806603, ClinGen allele CA2739274646.

ClinVar aggregate classification (germline): Pathogenic (1 of 4 stars; one submission).

Conditions:
Primary ciliary dyskinesia. Also called: Ciliary dyskinesia. Identifiers: Orphanet 244, MedGen C0008780, MONDO:0016575, HP:0012265.

Submission:

Labcorp Genetics (formerly Invitae), Labcorp
Classification: Pathogenic for Primary ciliary dyskinesia. Last evaluated: 2023-04-15. Review status: criteria provided, single submitter. Criteria: Invitae Variant Classification Sherloc (09022015). Collection method: clinical testing. Allele origin: germline.
Comment: In summary, the currently available evidence indicates that the variant is pathogenic, but additional data are needed to prove that conclusively. Therefore, this variant has been classified as Likely Pathogenic. This variant has not been reported in the literature in individuals affected with DNAH5-related conditions. This variant is not present in population databases (gnomAD no frequency). This sequence change creates a premature translational stop signal (p.Ala2494Glyfs*61) in the DNAH5 gene. It is expected to result in an absent or disrupted protein product. Loss-of-function variants in DNAH5 are known to be pathogenic (PMID: 11788826, 16627867).

Literature cited by the submitters: PubMed 11788826; PubMed 16627867.